The following is an entry in ClinVar:

NM_001164508.2(NEB):c.24210_24212dup (p.Leu8071dup)

Genes: NEB (nebulin; minus strand), RIF1 (replication timing regulatory factor 1; plus strand). Cytogenetic location: 2q23.3.
Variant type: Duplication.
Coding change: c.24210_24212dup on transcript NM_001164508.2 (MANE Select); coding-DNA positions 24210 to 24212, 3 bases duplicated (GTT; older notation c.24210_24212dupGTT).
Protein change: p.Leu8071dup; duplicates leucine 8071.
Molecular consequence: inframe insertion. On other transcripts: intron variant (1).
Genome position (GRCh38, 1-based): chr2:151,497,714-151,497,716, AAC duplicated on the plus strand (GTT on the coding strand, the reverse complement: NEB is on the minus strand); duplicating any 3 consecutive bases within chr2:151,497,714-151,497,717 gives the same sequence; the c. name uses the placement nearest the transcript's 3' end. VCF-style (leftmost placement, unchanged base first): chr2-151497713-T-TAAC. GRCh37 (hg19) VCF-style: chr2-152354227-T-TAAC.
Other names: c.24315_24317dupGTT (NM_001271208.1); c.24210_24212dup, p.Leu8071dup (NM_001164507.2); c.24315_24317dup, p.Leu8106dup (NM_001271208.2); c.18826-1348_18826-1346dup (NM_004543.5).
Identifiers: ClinVar variation 550809 (VCV000550809.11), dbSNP rs781667543, ClinGen allele CA1906119.

ClinVar aggregate classification (germline): Uncertain significance. Review status: criteria provided, multiple submitters, no conflicts (2 of 4 stars). 5 submissions from 5 submitters: Uncertain significance (3). 2 of the submissions do not count toward it. Last evaluated 2024-11-11.

Conditions:
Nemaline myopathy 2 (NEM2). Also called: Nemaline myopathy 2, autosomal recessive. Identifiers: MedGen C1850569, MONDO:0009725, OMIM 256030.

Submissions (5):

Labcorp Genetics (formerly Invitae), Labcorp
Classification: Uncertain significance for Nemaline myopathy 2. Last evaluated: 2024-11-11. Review status: criteria provided, single submitter. Criteria: Invitae Variant Classification Sherloc (09022015). Collection method: clinical testing. Allele origin: germline.
Comment: This variant, c.24315_24317dup, results in the insertion of 1 amino acid(s) of the NEB protein (p.Leu8106dup), but otherwise preserves the integrity of the reading frame. This variant is present in population databases (rs781667543, gnomAD 0.06%). This variant has not been reported in the literature in individuals affected with NEB-related conditions. ClinVar contains an entry for this variant (Variation ID: 550809). Experimental studies and prediction algorithms are not available or were not evaluated, and the functional significance of this variant is currently unknown. In summary, the available evidence is currently insufficient to determine the role of this variant in disease. Therefore, it has been classified as a Variant of Uncertain Significance.

Revvity Omics, Revvity
Classification: Uncertain significance. Last evaluated: 2024-03-19. Review status: criteria provided, single submitter. Criteria: ACMG Guidelines, 2015. Collection method: clinical testing. Allele origin: germline.

GeneDx
Classification: Uncertain significance. Last evaluated: 2023-11-27. Review status: criteria provided, single submitter. Criteria: GeneDx Variant Classification Process June 2021. Collection method: clinical testing. Allele origin: germline. Affected: yes.
Comment: In-frame insertion of 1 amino acid in a non-repeat region; Has not been previously published as pathogenic or benign to our knowledge

Natera, Inc.
Classification: Uncertain significance for Nemaline myopathy type 2. Last evaluated: 2019-11-11. Review status: no assertion criteria provided. Collection method: clinical testing. Allele origin: germline. Not counted in ClinVar's aggregate classification.

Counsyl
Classification: Uncertain significance for Nemaline myopathy 2. Last evaluated: 2017-02-22. Review status: no assertion criteria provided. Collection method: clinical testing. Allele origin: unknown. Not counted in ClinVar's aggregate classification.